The following is an entry in ClinVar:

NM_001211.6(BUB1B):c.2048C>T (p.Ser683Phe)

Gene: BUB1B (BUB1 mitotic checkpoint serine/threonine kinase B; plus strand). Cytogenetic location: 15q15.1.
Variant type: single nucleotide variant.
Coding change: c.2048C>T on transcript NM_001211.6 (MANE Select); coding-DNA position 2048, C replaced by T.
Protein change: p.Ser683Phe; replaces serine 683 with phenylalanine.
Molecular consequence: missense variant.
Genome position (GRCh38, 1-based): chr15:40,208,675, C>T. VCF-style: chr15-40208675-C-T. GRCh37 (hg19) VCF-style: chr15-40500876-C-T.
Other names: short protein forms S683F.
Identifiers: ClinVar variation 3221373 (VCV003221373.1), dbSNP rs2542569543, ClinGen allele CA391693419.

ClinVar aggregate classification (germline): Uncertain significance (1 of 4 stars; one submission).

Conditions:
Inborn genetic diseases. Identifiers: MedGen C0950123, MeSH D030342.

Submission:

Ambry Genetics
Classification: Uncertain significance for Inborn genetic diseases. Last evaluated: 2023-11-23. Review status: criteria provided, single submitter. Criteria: Ambry Variant Classification Scheme 2023. Collection method: clinical testing. Allele origin: germline.
Comment: The p.S683F variant (also known as c.2048C>T), located in coding exon 16 of the BUB1B gene, results from a C to T substitution at nucleotide position 2048. The serine at codon 683 is replaced by phenylalanine, an amino acid with highly dissimilar properties. This amino acid position is conserved. In addition, this alteration is predicted to be tolerated by in silico analysis. Since supporting evidence is limited at this time, the clinical significance of this alteration remains unclear.